The following is an entry in ClinVar:

NM_001384732.1(CPLANE1):c.6462+1G>A

Gene: CPLANE1 (ciliogenesis and planar polarity effector complex subunit 1; minus strand). Cytogenetic location: 5p13.2.
Variant type: single nucleotide variant.
Coding change: c.6462+1G>A on transcript NM_001384732.1 (MANE Select); the canonical splice donor site of the intron after coding-DNA position 6462, G replaced by A.
Molecular consequence: splice donor variant.
Genome position (GRCh38, 1-based): chr5:37,170,040, C>T on the plus strand (G>A on the coding strand, the complement: CPLANE1 is on the minus strand). VCF-style: chr5-37170040-C-T. GRCh37 (hg19) VCF-style: chr5-37170142-C-T.
Other names: c.6462+1G>A (NM_023073.4).
Identifiers: ClinVar variation 2682884 (VCV002682884.2), dbSNP rs1274932969, ClinGen allele CA359481129.

ClinVar aggregate classification (germline): Conflicting classifications of pathogenicity. Review status: criteria provided, conflicting classifications (1 of 4 stars). 2 submissions from 2 submitters: Likely pathogenic (1); Uncertain significance (1). Last evaluated 2023-01-31.

Conditions:
C5ORF42-related disorders.

Allele frequency attached by ClinVar (database versions not stated): gnomAD exomes below 0.00001; TOPMed 0.00003.
gnomAD v4.1: 1 of 1,613,224 alleles (0.000062%); highest among the groups gnomAD compares: Admixed American, 0.0017%; no homozygotes.

Submissions (2):

Mayo Clinic Laboratories, Mayo Clinic
Classification: Uncertain significance. Last evaluated: 2023-01-31. Review status: criteria provided, single submitter. Criteria: ACMG Guidelines, 2015. Collection method: clinical testing. Allele origin: germline. Observed: 1 variant allele.
Comment: PM2_supporting, PVS1_moderate

Blueprint Genetics
Classification: Likely pathogenic for C5ORF42-related disorders. Last evaluated: 2020-04-09. Review status: criteria provided, single submitter. Criteria: ACMG Guidelines, 2015. Collection method: clinical testing. Allele origin: germline. Affected: yes. Observed: 1 variant allele.